The following is an entry in ClinVar:

NM_000053.4(ATP7B):c.2924C>T (p.Ser975Phe)

Gene: ATP7B (ATPase copper transporting beta; minus strand). Cytogenetic location: 13q14.3.
Variant type: single nucleotide variant.
Coding change: c.2924C>T on transcript NM_000053.4 (MANE Select); coding-DNA position 2924, C replaced by T.
Protein change: p.Ser975Phe; replaces serine 975 with phenylalanine.
Molecular consequence: missense variant.
Genome position (GRCh38, 1-based): chr13:51,946,420, G>A on the plus strand (C>T on the coding strand, the complement: ATP7B is on the minus strand). VCF-style: chr13-51946420-G-A. GRCh37 (hg19) VCF-style: chr13-52520556-G-A.
Other names: c.2303C>T, p.Ser768Phe (NM_001005918.3); c.2591C>T, p.Ser864Phe (NM_001243182.2); c.2690C>T, p.Ser897Phe (NM_001330578.2); c.2672C>T, p.Ser891Phe (NM_001330579.2); short protein forms S768F, S864F, S891F, S897F, S975F.
Identifiers: ClinVar variation 1305718 (VCV001305718.5), dbSNP rs778163447, ClinGen allele CA388032391.

ClinVar aggregate classification (germline): Conflicting classifications of pathogenicity. Review status: criteria provided, conflicting classifications (1 of 4 stars). 2 submissions from 2 submitters: Likely pathogenic (1); Uncertain significance (1). Last evaluated 2023-12-13.

Conditions:
Wilson disease (WND). Also called: Wilson's disease. Identifiers: Orphanet 905, MedGen C0019202, MONDO:0010200, OMIM 277900. Disease mechanism: loss of function.

Submissions (2):

Labcorp Genetics (formerly Invitae), Labcorp
Classification: Likely pathogenic for Wilson disease. Last evaluated: 2023-12-13. Review status: criteria provided, single submitter. Criteria: Invitae Variant Classification Sherloc (09022015). Collection method: clinical testing. Allele origin: germline.
Comment: This sequence change replaces serine, which is neutral and polar, with phenylalanine, which is neutral and non-polar, at codon 975 of the ATP7B protein (p.Ser975Phe). This variant is not present in population databases (gnomAD no frequency). This missense change has been observed in individual(s) with clinical features of Wilson disease (Invitae). ClinVar contains an entry for this variant (Variation ID: 1305718). Advanced modeling of protein sequence and biophysical properties (such as structural, functional, and spatial information, amino acid conservation, physicochemical variation, residue mobility, and thermodynamic stability) performed at Invitae indicates that this missense variant is not expected to disrupt ATP7B protein function with a negative predictive value of 80%. This variant disrupts the p.Ser975 amino acid residue in ATP7B. Other variant(s) that disrupt this residue have been determined to be pathogenic (PMID: 18841564, 23235335, 27398169). This suggests that this residue is clinically significant, and that variants that disrupt this residue are likely to be disease-causing. In summary, the currently available evidence indicates that the variant is pathogenic, but additional data are needed to prove that conclusively. Therefore, this variant has been classified as Likely Pathogenic.

GeneDx
Classification: Uncertain significance. Last evaluated: 2019-05-21. Review status: criteria provided, single submitter. Criteria: GeneDx Variant Classification Process June 2021. Collection method: clinical testing. Allele origin: germline. Affected: yes.
Comment: Not observed in large population cohorts (Lek et al., 2016); In silico analysis, which includes protein predictors and evolutionary conservation, supports a deleterious effect; Has not been previously published as pathogenic or benign to our knowledge; A different substitution at this residue (S975Y) has been reported previously in association with Wilson disease (Gu et al., 2003; Schushan et al., 2012)

Literature cited by the submitters: PubMed 18841564 (cited by Labcorp Genetics (formerly Invitae), Labcorp); PubMed 23235335 (cited by Labcorp Genetics (formerly Invitae), Labcorp); PubMed 27398169 (cited by Labcorp Genetics (formerly Invitae), Labcorp).